The following is an entry in ClinVar:

ClinVar aggregate classification (germline): Uncertain significance (1 of 4 stars; one submission).

Allele frequency attached by ClinVar (database versions not stated): gnomAD exomes below 0.00001; TOPMed below 0.00001.
gnomAD v4.1: 4 of 1,614,106 alleles (0.00025%); highest among the groups gnomAD compares: Non-Finnish European, 0.00034%; no homozygotes.

Submission:

Labcorp Genetics (formerly Invitae), Labcorp
Classification: Uncertain significance. Last evaluated: 2022-10-24. Review status: criteria provided, single submitter. Criteria: Invitae Variant Classification Sherloc (09022015). Collection method: clinical testing. Allele origin: germline.
Comment: In summary, the available evidence is currently insufficient to determine the role of this variant in disease. Therefore, it has been classified as a Variant of Uncertain Significance. Algorithms developed to predict the effect of missense changes on protein structure and function output the following: SIFT: "Deleterious"; PolyPhen-2: "Probably Damaging"; Align-GVGD: "Class C0". The proline amino acid residue is found in multiple mammalian species, which suggests that this missense change does not adversely affect protein function. ClinVar contains an entry for this variant (Variation ID: 1475449). This variant has not been reported in the literature in individuals affected with IL23R-related conditions. This variant is not present in population databases (gnomAD no frequency). This sequence change replaces threonine, which is neutral and polar, with proline, which is neutral and non-polar, at codon 583 of the IL23R protein (p.Thr583Pro).

NM_144701.3(IL23R):c.1747A>C (p.Thr583Pro)

Gene: IL23R (interleukin 23 receptor; plus strand). Cytogenetic location: 1p31.3.
Variant type: single nucleotide variant.
Coding change: c.1747A>C on transcript NM_144701.3 (MANE Select); coding-DNA position 1747, A replaced by C.
Protein change: p.Thr583Pro; replaces threonine 583 with proline.
Molecular consequence: missense variant.
Genome position (GRCh38, 1-based): chr1:67,258,985, A>C. VCF-style: chr1-67258985-A-C. GRCh37 (hg19) VCF-style: chr1-67724668-A-C.
Other names: short protein forms T583P.
Identifiers: ClinVar variation 1475449 (VCV001475449.6), dbSNP rs1653100399, ClinGen allele CA340729487.